The following is an entry in ClinVar:

ClinVar aggregate classification (germline): Uncertain significance (1 of 4 stars; one submission).

Conditions:
Neuropathy, hereditary sensory and autonomic, type 2A (HSAN2A). Also called: WNK1-Related HSAN2 (HSAN2A); ACROOSTEOLYSIS, GIACCAI TYPE; ACROOSTEOLYSIS, NEUROGENIC; MORVAN DISEASE; NEUROPATHY, CONGENITAL SENSORY; NEUROPATHY, HEREDITARY SENSORY RADICULAR, AUTOSOMAL RECESSIVE. Identifiers: Orphanet 970, MedGen C2752089, MONDO:0024309, OMIM 201300.
Pseudohypoaldosteronism type 2C (PHA2C). Also called: Pseudohypoaldosteronism Type IIC. Identifiers: Orphanet 757, Orphanet 88940, MedGen C1840391, MONDO:0013778, OMIM 614492.

gnomAD v4.1: 1 of 1,613,902 alleles (0.000062%); highest among the groups gnomAD compares: African/African-American, 0.0013%; no homozygotes.

Submission:

Labcorp Genetics (formerly Invitae), Labcorp
Classification: Uncertain significance for Neuropathy, hereditary sensory and autonomic, type 2A; Pseudohypoaldosteronism type 2C. Last evaluated: 2026-01-08. Review status: criteria provided, single submitter. Criteria: Invitae Variant Classification Sherloc (09022015). Collection method: clinical testing. Allele origin: germline.
Comment: This sequence change replaces valine, which is neutral and non-polar, with isoleucine, which is neutral and non-polar, at codon 865 of the WNK1 protein (p.Val865Ile). This variant is not present in population databases (gnomAD no frequency). This variant has not been reported in the literature in individuals affected with WNK1-related conditions. Invitae Evidence Modeling of protein sequence and biophysical properties (such as structural, functional, and spatial information, amino acid conservation, physicochemical variation, residue mobility, and thermodynamic stability) indicates that this missense variant is not expected to disrupt WNK1 protein function with a negative predictive value of 95%. In summary, the available evidence is currently insufficient to determine the role of this variant in disease. Therefore, it has been classified as a Variant of Uncertain Significance.

NM_213655.5(WNK1):c.2593G>A (p.Val865Ile)

Gene: WNK1 (WNK lysine deficient protein kinase 1; plus strand). Cytogenetic location: 12p13.33.
Variant type: single nucleotide variant.
Coding change: c.2593G>A on transcript NM_213655.5 (MANE Plus Clinical); coding-DNA position 2593, G replaced by A.
Protein change: p.Val865Ile; replaces valine 865 with isoleucine.
Molecular consequence: missense variant. On other transcripts: intron variant (2).
Genome position (GRCh38, 1-based): chr12:868,064, G>A. VCF-style: chr12-868064-G-A. GRCh37 (hg19) VCF-style: chr12-977230-G-A.
Other names: c.2338G>A, p.Val780Ile (NM_001184985.2); c.2140-3201G>A (NM_018979.4, NM_014823.3); short protein forms V780I, V865I.
Identifiers: ClinVar variation 4788844 (VCV004788844.1).